The following is an entry in ClinVar:

ClinVar aggregate classification (germline): Pathogenic. Review status: criteria provided, multiple submitters, no conflicts (2 of 4 stars). 8 submissions from 8 submitters: Pathogenic (7). 1 of the submissions does not count toward it. Last evaluated 2025-10-02.

Conditions:
NPHP4-related disorder. Also called: NPHP4-related disorders; NPHP4-related condition. Identifiers: MedGen CN239384.
Senior-Loken syndrome 4 (SLSN4). Identifiers: Orphanet 3156, MedGen C1846979, MONDO:0011756, OMIM 606996.
Nephronophthisis 4 (NPHP4). Also called: NEPHRONOPHTHISIS 4, JUVENILE. Identifiers: Orphanet 655, MedGen C1847013, MONDO:0011752, OMIM 606966.
Nephronophthisis. Also called: Juvenile Nephronophthisis. Identifiers: Orphanet 655, MedGen C0687120, MONDO:0019005, HP:0000090.

Allele frequency attached by ClinVar (database versions not stated): TOPMed 0.00002; gnomAD 0.00003 and 0.00002; gnomAD exomes 0.00002 and 0.00001.

Submissions (8):

Labcorp Genetics (formerly Invitae), Labcorp
Classification: Pathogenic for Nephronophthisis. Last evaluated: 2025-10-02. Review status: criteria provided, single submitter. Criteria: Invitae Variant Classification Sherloc (09022015). Collection method: clinical testing. Allele origin: germline.
Comment: This sequence change creates a premature translational stop signal (p.Val1091Glyfs*31) in the NPHP4 gene. It is expected to result in an absent or disrupted protein product. Loss-of-function variants in NPHP4 are known to be pathogenic (PMID: 12205563, 23559409). This variant is present in population databases (no rsID available, gnomAD 0.003%). This premature translational stop signal has been observed in individual(s) with Senior-Loken syndrome (PMID: 21866095). ClinVar contains an entry for this variant (Variation ID: 3403). For these reasons, this variant has been classified as Pathogenic.

Gharavi Laboratory, Columbia University
Classification: Pathogenic for Nephronophthisis 4. Last evaluated: 2024-11-05. Review status: criteria provided, single submitter. Criteria: ACMG Guidelines, 2015. Collection method: case-control. Allele origin: germline. Affected: yes.
Comment: Compound heterozygte with NM_015102.5:c.641delT

ENST00000378156

Blueprint Genetics
Classification: Pathogenic for NPHP4-related disorders. Last evaluated: 2024-06-13. Review status: criteria provided, single submitter. Criteria: ACMG Guidelines, 2015. Collection method: clinical testing. Allele origin: germline. Affected: yes. Observed: 4 variant alleles.

PreventionGenetics, part of Exact Sciences
Classification: Pathogenic for NPHP4-related condition. Last evaluated: 2023-06-22. Review status: criteria provided, single submitter. Criteria: ACMG Guidelines, 2015. Collection method: clinical testing. Allele origin: germline.
Comment: The NPHP4 c.3272delT variant is predicted to result in a frameshift and premature protein termination (p.Val1091Glyfs*31). This variant has been reported in the homozygous state or heterozygous with another variant in multiple individuals with nephronophthisis or end-stage renal disease (reported as 2744delT in Table 1 and Figure 1, Mollet et al. 2002. PubMed ID: 12244321; Table 1, Otto et al. 2002. PubMed ID: 12205563; Table 2, Halbritter et al. 2013. PubMed ID: 23559409). This variant is reported in 0.0033% of alleles in individuals of South Asian descent in gnomAD. Frameshift variants in NPHP4 are expected to be pathogenic. This variant is interpreted as pathogenic.

GeneDx
Classification: Pathogenic. Last evaluated: 2022-05-25. Review status: criteria provided, single submitter. Criteria: GeneDx Variant Classification Process June 2021. Collection method: clinical testing. Allele origin: germline. Affected: yes.
Comment: Frameshift variant predicted to result in protein truncation or nonsense mediated decay in a gene for which loss of function is a known mechanism of disease; Identified in the heterozygous state using alternate nomenclature c.2477delT in a family with Cogan syndrome and nephronophthisis, however, a second variant was not identified (Mollet et al, 2002); This variant is associated with the following publications: (PMID: 31589614, 21866095, 12244321)

Fulgent Genetics
Classification: Pathogenic for Nephronophthisis 4; Senior-Loken syndrome 4. Last evaluated: 2022-05-18. Review status: criteria provided, single submitter. Criteria: ACMG Guidelines, 2015. Collection method: clinical testing. Allele origin: unknown.

Juno Genomics, Hangzhou Juno Genomics, Inc
Classification: Pathogenic for Nephronophthisis 4. Review status: criteria provided, single submitter. Criteria: ACMG Guidelines, 2015. Collection method: clinical testing. Allele origin: germline.
Comment: Absent from controls (or at extremely low frequency if recessive) in Genome Aggregation Database.;Null variant in a gene where loss of function (LOF) is a known mechanism of disease.;For recessive disorders, detected in trans with a pathogenic variant.

OMIM
Classification: Pathogenic for NEPHRONOPHTHISIS 4. Last evaluated: 2002-11-01. Review status: no assertion criteria provided. Collection method: literature only. Allele origin: germline. Not counted in ClinVar's aggregate classification.

Literature cited by the submitters: PubMed 12205563 (cited by Labcorp Genetics (formerly Invitae), Labcorp and OMIM); PubMed 23559409 (cited by Labcorp Genetics (formerly Invitae), Labcorp); PubMed 21866095 (cited by Labcorp Genetics (formerly Invitae), Labcorp); PubMed 12244321 (cited by OMIM); PubMed 11920287 (cited by OMIM).

NM_015102.5(NPHP4):c.3272del (p.Val1091fs)

Gene: NPHP4 (nephrocystin 4; minus strand). Cytogenetic location: 1p36.31.
Variant type: Deletion.
Coding change: c.3272del on transcript NM_015102.5 (MANE Select); coding-DNA position 3272, one base deleted (T; older notation c.3272delT).
Protein change: p.Val1091fs; shifts the reading frame from valine 1091.
Molecular consequence: frameshift variant. On other transcripts: non-coding transcript variant (1).
Genome position (GRCh38, 1-based): chr1:5,873,295, A deleted on the plus strand (T on the coding strand, the reverse complement: NPHP4 is on the minus strand). VCF-style (leftmost placement, unchanged base first): chr1-5873294-CA-C. GRCh37 (hg19) VCF-style: chr1-5933354-CA-C.
Other names: c.1733del, p.Val578fs (NM_001291593.2); c.1736del, p.Val579fs (NM_001291594.2); c.3272delT (NM_015102.5); short protein forms V1091fs, V579fs, V578fs.
Identifiers: ClinVar variation 3403 (VCV000003403.13), dbSNP rs1278089386, ClinGen allele CA520739331.